The following is an entry in ClinVar:

NM_001372051.1(CASP8):c.919A>G (p.Met307Val)

Gene: CASP8 (caspase 8; plus strand). Cytogenetic location: 2q33.1.
Variant type: single nucleotide variant.
Coding change: c.919A>G on transcript NM_001372051.1 (MANE Select); coding-DNA position 919, A replaced by G.
Protein change: p.Met307Val; replaces methionine 307 with valine.
Molecular consequence: missense variant. On other transcripts: non-coding transcript variant (22), intron variant (1).
Genome position (GRCh38, 1-based): chr2:201,284,932, A>G. VCF-style: chr2-201284932-A-G. GRCh37 (hg19) VCF-style: chr2-202149655-A-G.
Other names: c.874A>G, p.Met292Val (NM_001080124.2, NM_001400658.1, NM_001400659.1 and 5 more transcripts); c.1051A>G, p.Met351Val (NM_001400642.1); c.952A>G, p.Met318Val (NM_001400645.1); c.1096A>G, p.Met366Val (NM_001080125.2); c.970A>G, p.Met324Val (NM_001228.5); c.919A>G, p.Met307Val (NM_001400648.1, NM_001400651.1, NM_001400653.1 and 5 more transcripts); c.850A>G, p.Met284Val (NM_001400664.1); c.844A>G, p.Met282Val (NM_001400665.1); and 7 more; short protein forms M307V, M324V, M292V, M366V, M102V, M108V, M204V, M223V.
Identifiers: ClinVar variation 333504 (VCV000333504.13), dbSNP rs148960588, ClinGen allele CA2053720.

ClinVar aggregate classification (germline): Uncertain significance. Review status: criteria provided, multiple submitters, no conflicts (2 of 4 stars). 2 submissions from 2 submitters: Uncertain significance (2). Last evaluated 2026-01-21.

Conditions:
Autoimmune lymphoproliferative syndrome type 2B. Also called: AUTOIMMUNE LYMPHOPROLIFERATIVE SYNDROME, TYPE IIB. Identifiers: Orphanet 275517, MedGen C1846545, MONDO:0011804, OMIM 607271.

Allele frequency attached by ClinVar (database versions not stated): gnomAD exomes below 0.00001 and 0.00002; ExAC 0.00001; gnomAD 0.00003; TOPMed 0.00004; ESP Exome Variant Server 0.00015.
gnomAD v4.1: 38 of 1,614,040 alleles (0.0024%); highest among the groups gnomAD compares: Non-Finnish European, 0.0031%; no homozygotes.

Submissions (2):

Labcorp Genetics (formerly Invitae), Labcorp
Classification: Uncertain significance for Autoimmune lymphoproliferative syndrome type 2B. Last evaluated: 2026-01-21. Review status: criteria provided, single submitter. Criteria: Invitae Variant Classification Sherloc (09022015). Collection method: clinical testing. Allele origin: germline.
Comment: This sequence change replaces methionine, which is neutral and non-polar, with valine, which is neutral and non-polar, at codon 324 of the CASP8 protein (p.Met324Val). This variant is present in population databases (rs148960588, gnomAD 0.002%). This variant has not been reported in the literature in individuals affected with CASP8-related conditions. ClinVar contains an entry for this variant (Variation ID: 333504). Invitae Evidence Modeling of protein sequence and biophysical properties (such as structural, functional, and spatial information, amino acid conservation, physicochemical variation, residue mobility, and thermodynamic stability) indicates that this missense variant is not expected to disrupt CASP8 protein function with a negative predictive value of 80%. In summary, the available evidence is currently insufficient to determine the role of this variant in disease. Therefore, it has been classified as a Variant of Uncertain Significance.

Illumina Laboratory Services, Illumina
Classification: Uncertain significance for Autoimmune lymphoproliferative syndrome type 2B. Last evaluated: 2018-01-12. Review status: criteria provided, single submitter. Criteria: ICSL Variant Classification Criteria 13 December 2019. Collection method: clinical testing. Allele origin: germline.